The following is an entry in ClinVar:

ClinVar aggregate classification (germline): Benign. Review status: criteria provided, multiple submitters, no conflicts (2 of 4 stars). 9 submissions from 9 submitters: Benign (7). 2 of the submissions do not count toward it. Last evaluated 2026-02-04.

Conditions:
Arterial tortuosity syndrome (ATORS). Identifiers: Orphanet 3342, MedGen C1859726, MONDO:0008818, OMIM 208050.

Allele frequency attached by ClinVar (database versions not stated): gnomAD exomes 0.41797; ESP Exome Variant Server 0.34789; TOPMed 0.37032; gnomAD 0.37194 and 0.37519; 1000 Genomes Project 30x 0.37258; 1000 Genomes Project 0.37879; ExAC 0.40965.
gnomAD v4.1: 667,560 of 1,611,072 alleles (41%); highest among the groups gnomAD compares: East Asian, 60%; 141,855 homozygotes.

Submissions (9):

Labcorp Genetics (formerly Invitae), Labcorp
Classification: Benign for Arterial tortuosity syndrome. Last evaluated: 2026-02-04. Review status: criteria provided, single submitter. Criteria: Invitae Variant Classification Sherloc (09022015). Collection method: clinical testing. Allele origin: germline.

Blueprint Genetics
Classification: Benign. Last evaluated: 2024-11-28. Review status: criteria provided, single submitter. Criteria: ACMG Guidelines, 2015. Collection method: clinical testing. Allele origin: germline.

Genome-Nilou Lab
Classification: Benign for Arterial tortuosity syndrome. Last evaluated: 2021-07-15. Review status: criteria provided, single submitter. Criteria: ACMG Guidelines, 2015. Collection method: clinical testing. Allele origin: germline. Affected: no.

Women's Health and Genetics/Laboratory Corporation of America, LabCorp
Classification: Benign. Last evaluated: 2019-08-12. Review status: criteria provided, single submitter. Criteria: LabCorp Variant Classification Summary - May 2015. Collection method: clinical testing. Allele origin: germline.
Comment: Variant summary: SLC2A10 c.1547+18T>G alters a non-conserved nucleotide located close to a canonical splice site and therefore could affect mRNA splicing, leading to a significantly altered protein sequence. 5/5 computational tools predict no significant impact on normal splicing. However, these predictions have yet to be confirmed by functional studies. The variant allele was found at a frequency of 0.42 in 250922 control chromosomes, predominantly at a frequency of 0.61 within the East Asian subpopulation in the gnomAD database, including 3377 homozygotes. Therefore, suggesting the variant is the major allele found in population(s) of East Asian origin. No clinical diagnostic laboratories have submitted clinical-significance assessments for this variant to ClinVar after 2014. Based on the evidence outlined above, the variant was classified as benign.

GeneDx
Classification: Benign. Last evaluated: 2012-11-20. Review status: criteria provided, single submitter. Criteria: GeneDx Variant Classification (06012015). Collection method: clinical testing. Allele origin: germline. Affected: yes.
Comment: This variant is considered likely benign or benign based on one or more of the following criteria: it is a conservative change, it occurs at a poorly conserved position in the protein, it is predicted to be benign by multiple in silico algorithms, and/or has population frequency not consistent with disease.

Breakthrough Genomics
Classification: Benign. Review status: criteria provided, single submitter. Criteria: ACMG Guidelines, 2015. Collection method: not provided. Allele origin: germline. Inheritance: Autosomal recessive inheritance. Affected: yes.

PreventionGenetics, part of Exact Sciences
Classification: Benign. Review status: criteria provided, single submitter. Criteria: ACMG Guidelines, 2015. Collection method: clinical testing. Allele origin: germline.

Clinical Genetics DNA and cytogenetics Diagnostics Lab, Erasmus MC, Erasmus Medical Center
Classification: Benign. Review status: no assertion criteria provided. Collection method: clinical testing. Allele origin: germline. Affected: yes. Study: VKGL Data-share Consensus. Not counted in ClinVar's aggregate classification.

Genome Diagnostics Laboratory, Amsterdam University Medical Center
Classification: Benign. Review status: no assertion criteria provided. Collection method: clinical testing. Allele origin: germline. Affected: yes. Study: VKGL Data-share Consensus. Not counted in ClinVar's aggregate classification.

NM_030777.4(SLC2A10):c.1547+18T>G

Gene: SLC2A10 (solute carrier family 2 member 10; plus strand). Cytogenetic location: 20q13.12.
Variant type: single nucleotide variant.
Coding change: c.1547+18T>G on transcript NM_030777.4 (MANE Select); 18 bases into the intron after coding-DNA position 1547, T replaced by G.
Molecular consequence: intron variant.
Genome position (GRCh38, 1-based): chr20:46,729,506, T>G. VCF-style: chr20-46729506-T-G. GRCh37 (hg19) VCF-style: chr20-45358145-T-G.
Identifiers: ClinVar variation 139178 (VCV000139178.16), dbSNP rs2425906, ClinGen allele CA293558.